The following is an entry in ClinVar:

NM_001164508.2(NEB):c.1213C>A (p.Pro405Thr)

Gene: NEB (nebulin; minus strand). Cytogenetic location: 2q23.3.
Variant type: single nucleotide variant.
Coding change: c.1213C>A on transcript NM_001164508.2 (MANE Select); coding-DNA position 1213, C replaced by A.
Protein change: p.Pro405Thr; replaces proline 405 with threonine.
Molecular consequence: missense variant.
Genome position (GRCh38, 1-based): chr2:151,697,588, G>T on the plus strand (C>A on the coding strand, the complement: NEB is on the minus strand). VCF-style: chr2-151697588-G-T. GRCh37 (hg19) VCF-style: chr2-152554102-G-T.
Other names: c.1213C>A, p.Pro405Thr (NM_001164507.2, NM_001271208.2, NM_004543.5); c.1213C>A (NM_004543.4); short protein forms P405T.
Identifiers: ClinVar variation 1062793 (VCV001062793.11), dbSNP rs1008850251, ClinGen allele CA57677648.

ClinVar aggregate classification (germline): Uncertain significance. Review status: criteria provided, multiple submitters, no conflicts (2 of 4 stars). 3 submissions from 3 submitters: Uncertain significance (2). 1 of the submissions does not count toward it. Last evaluated 2024-11-09.

Conditions:
Inborn genetic diseases. Identifiers: MedGen C0950123, MeSH D030342.
Nemaline myopathy 2 (NEM2). Also called: Nemaline myopathy 2, autosomal recessive. Identifiers: MedGen C1850569, MONDO:0009725, OMIM 256030.

Allele frequency attached by ClinVar (database versions not stated): gnomAD 0.00001 and 0.00002; TOPMed 0.00002.

Submissions (3):

Ambry Genetics
Classification: Uncertain significance for Inborn genetic diseases. Last evaluated: 2024-11-09. Review status: criteria provided, single submitter. Criteria: Ambry Variant Classification Scheme 2023. Collection method: clinical testing. Allele origin: germline.

Labcorp Genetics (formerly Invitae), Labcorp
Classification: Uncertain significance for Nemaline myopathy 2. Last evaluated: 2021-09-01. Review status: criteria provided, single submitter. Criteria: Invitae Variant Classification Sherloc (09022015). Collection method: clinical testing. Allele origin: germline.
Comment: This sequence change replaces proline with threonine at codon 405 of the NEB protein (p.Pro405Thr). The proline residue is moderately conserved and there is a small physicochemical difference between proline and threonine. This variant is not present in population databases (ExAC no frequency). This variant has not been reported in the literature in individuals affected with NEB-related conditions. Algorithms developed to predict the effect of missense changes on protein structure and function are either unavailable or do not agree on the potential impact of this missense change (SIFT: "Deleterious"; PolyPhen-2: "Not Available"; Align-GVGD: "Class C0"). In summary, the available evidence is currently insufficient to determine the role of this variant in disease. Therefore, it has been classified as a Variant of Uncertain Significance.

Natera, Inc.
Classification: Uncertain significance for Nemaline myopathy type 2. Last evaluated: 2020-12-17. Review status: no assertion criteria provided. Collection method: clinical testing. Allele origin: germline. Not counted in ClinVar's aggregate classification.